The following is an entry in ClinVar:

NM_172245.4(CSF2RA):c.1148C>T (p.Pro383Leu)

Gene: CSF2RA (colony stimulating factor 2 receptor subunit alpha; plus strand). Cytogenetic location: Xp22.33.
Variant type: single nucleotide variant.
Coding change: c.1148C>T on transcript NM_172245.4 (MANE Select); coding-DNA position 1148, C replaced by T.
Protein change: p.Pro383Leu; replaces proline 383 with leucine.
Molecular consequence: missense variant. On other transcripts: 3 prime UTR variant (5), synonymous variant (1), non-coding transcript variant (1), intron variant (6).
Genome position (GRCh38, 1-based): chrX:1,309,424, C>T. VCF-style: chrX-1309424-C-T. GRCh37 (hg19) VCF-style: chrX-1428317-C-T.
Other names: c.1148C>T, p.Pro383Leu (NM_001161529.2, NM_001379156.1, NM_001379158.1 and 1 more transcripts); c.1250C>T, p.Pro417Leu (NM_001161530.2, NM_001379153.1, NM_001379154.1); c.749C>T, p.Pro250Leu (NM_001161532.2); c.1118C>T, p.Pro373Leu (NM_001379160.1); c.959C>T, p.Pro320Leu (NM_001379166.1); c.*49C>T (NM_001379167.1, NM_001379168.1, NM_001379169.1 and 2 more transcripts); c.969C>T, p.Pro323= (NM_172246.4); c.1125+3897C>T (NM_001379163.1, NM_001379162.1, NM_001379164.1 and 2 more transcripts); and 1 more; short protein forms P250L, P320L, P373L, P383L, P417L.
Identifiers: ClinVar variation 1063031 (VCV001063031.6), dbSNP rs765802143, ClinGen allele CA10331274.

ClinVar aggregate classification (germline): Uncertain significance (1 of 4 stars; one submission).

Conditions:
Surfactant metabolism dysfunction, pulmonary, 4 (SMDP4). Also called: PAP DUE TO CSF2RA DEFICIENCY; CSF2RA DEFICIENCY; PULMONARY ALVEOLAR PROTEINOSIS, CONGENITAL, 4. Identifiers: Orphanet 264675, MedGen C2677877, MONDO:0010424, OMIM 300770.

Allele frequency attached by ClinVar (database versions not stated): TOPMed 0.00001; ExAC 0.00002; gnomAD exomes 0.00002.
gnomAD v4.1: 26 of 1,613,950 alleles (0.0016%); highest among the groups gnomAD compares: Middle Eastern, 0.017%; no homozygotes.

Submission:

Labcorp Genetics (formerly Invitae), Labcorp
Classification: Uncertain significance for Surfactant metabolism dysfunction, pulmonary, 4. Last evaluated: 2021-08-24. Review status: criteria provided, single submitter. Criteria: Invitae Variant Classification Sherloc (09022015). Collection method: clinical testing. Allele origin: germline.
Comment: This sequence change replaces proline with leucine at codon 383 of the CSF2RA protein (p.Pro383Leu). The proline residue is weakly conserved and there is a moderate physicochemical difference between proline and leucine. This variant is present in population databases (no rsID available, ExAC 0.004%). This variant has not been reported in the literature in individuals affected with CSF2RA-related conditions. Algorithms developed to predict the effect of missense changes on protein structure and function output the following: SIFT: "Tolerated"; PolyPhen-2: "Benign"; Align-GVGD: "Class C0". The leucine amino acid residue is found in multiple mammalian species, which suggests that this missense change does not adversely affect protein function. In summary, the available evidence is currently insufficient to determine the role of this variant in disease. Therefore, it has been classified as a Variant of Uncertain Significance.